The following is an entry in ClinVar:

NM_033123.4(PLCZ1):c.1662del (p.Phe554fs)

Genes: PIK3C2G (phosphatidylinositol-4-phosphate 3-kinase catalytic subunit type 2 gamma; plus strand), PLCZ1 (phospholipase C zeta 1; minus strand). Cytogenetic location: 12p12.3.
Variant type: Deletion.
Coding change: c.1662del on transcript NM_033123.4 (MANE Select); coding-DNA position 1662, one base deleted (T; older notation c.1662delT).
Protein change: p.Phe554fs; shifts the reading frame from phenylalanine 554.
Molecular consequence: frameshift variant.
Genome position (GRCh38, 1-based): chr12:18,684,209, A deleted on the plus strand (T on the coding strand, the reverse complement: PLCZ1 is on the minus strand); the first of 4 consecutive A bases (chr12:18,684,209-18,684,212); deleting any one gives the same sequence. VCF-style (leftmost placement, unchanged base first): chr12-18684208-CA-C. GRCh37 (hg19) VCF-style: chr12-18837142-CA-C.
Other names: c.1083del, p.Phe361fs (NM_001330769.1); c.1350del, p.Phe450fs (NM_001330774.2); short protein forms F554fs, F361fs, F450fs.
Identifiers: ClinVar variation 2069975 (VCV002069975.1), dbSNP rs1321365869, ClinGen allele CA603764500.

ClinVar aggregate classification (germline): Pathogenic (1 of 4 stars; one submission).

Submission:

Labcorp Genetics (formerly Invitae), Labcorp
Classification: Pathogenic. Last evaluated: 2022-07-05. Review status: criteria provided, single submitter. Criteria: Invitae Variant Classification Sherloc (09022015). Collection method: clinical testing. Allele origin: germline.
Comment: This sequence change creates a premature translational stop signal (p.Phe554Leufs*8) in the PLCZ1 gene. It is expected to result in an absent or disrupted protein product. Loss-of-function variants in PLCZ1 are known to be pathogenic (PMID: 32048714). This variant is present in population databases (no rsID available, gnomAD 0.0009%). This variant has not been reported in the literature in individuals affected with PLCZ1-related conditions. For these reasons, this variant has been classified as Pathogenic.

Literature cited by the submitters: PubMed 32048714.